The following is an entry in ClinVar:

ClinVar aggregate classification (germline): Likely benign. Review status: criteria provided, multiple submitters, no conflicts (2 of 4 stars). 3 submissions from 3 submitters: Likely benign (3). Last evaluated 2025-11-21.

Conditions:
RYR3-related disorder. Also called: RYR3-related condition.
Epileptic encephalopathy. Identifiers: MedGen C0543888, HP:0200134.

Allele frequency attached by ClinVar (database versions not stated): 1000 Genomes Project 30x 0.00219; gnomAD 0.00006; TOPMed 0.00008; 1000 Genomes Project 0.00160.
gnomAD v4.1: 941 of 1,613,774 alleles (0.058%); highest among the groups gnomAD compares: South Asian, 0.97%; 9 homozygotes.

Submissions (3):

PreventionGenetics, part of Exact Sciences
Classification: Likely benign for RYR3-related condition. Last evaluated: 2025-11-21. Review status: criteria provided, single submitter. Criteria: ACMG Guidelines, 2015. Collection method: clinical testing. Allele origin: germline.
Comment: This variant is classified as likely benign based on ACMG/AMP sequence variant interpretation guidelines (Richards et al. 2015 PMID: 25741868, with internal and published modifications).

CeGaT Center for Human Genetics Tuebingen
Classification: Likely benign. Last evaluated: 2023-04-01. Review status: criteria provided, single submitter. Criteria: CeGaT Center For Human Genetics Tuebingen Variant Classification Criteria Version 2. Collection method: clinical testing. Allele origin: germline. Affected: yes. Observed: 1 variant allele.
Comment: RYR3: BS2

Labcorp Genetics (formerly Invitae), Labcorp
Classification: Likely benign for Epileptic encephalopathy. Last evaluated: 2022-11-01. Review status: criteria provided, single submitter. Criteria: Invitae Variant Classification Sherloc (09022015). Collection method: clinical testing. Allele origin: germline.

NM_001036.6(RYR3):c.7754C>G (p.Thr2585Arg)

Gene: RYR3 (ryanodine receptor 3; plus strand). Cytogenetic location: 15q14.
Variant type: single nucleotide variant.
Coding change: c.7754C>G on transcript NM_001036.6 (MANE Select); coding-DNA position 7754, C replaced by G.
Protein change: p.Thr2585Arg; replaces threonine 2585 with arginine.
Molecular consequence: missense variant.
Genome position (GRCh38, 1-based): chr15:33,739,929, C>G. VCF-style: chr15-33739929-C-G. GRCh37 (hg19) VCF-style: chr15-34032130-C-G.
Other names: c.7754C>G, p.Thr2585Arg (NM_001243996.4); short protein forms T2585R.
Identifiers: ClinVar variation 531121 (VCV000531121.39), dbSNP rs376084861, ClinGen allele CA7459976.